The following is an entry in ClinVar:

NM_000071.3(CBS):c.118del (p.Glu40fs)

Gene: CBS (cystathionine beta-synthase; minus strand). Cytogenetic location: 21q22.3.
Variant type: Deletion.
Coding change: c.118del on transcript NM_000071.3 (MANE Select); coding-DNA position 118, one base deleted (G; older notation c.118delG).
Protein change: p.Glu40fs; shifts the reading frame from glutamic acid 40.
Molecular consequence: frameshift variant.
Genome position (GRCh38, 1-based): chr21:43,072,076, C deleted on the plus strand (G on the coding strand, the reverse complement: CBS is on the minus strand); the first of 2 consecutive C bases (chr21:43,072,076-43,072,077); deleting either gives the same sequence. VCF-style (leftmost placement, unchanged base first): chr21-43072075-TC-T. GRCh37 (hg19) VCF-style: chr21-44492185-TC-T.
Other names: c.118del, p.Glu40fs (NM_001178008.3, NM_001178009.3, NM_001320298.2); short protein forms E40fs.
Identifiers: ClinVar variation 2809970 (VCV002809970.3), dbSNP rs2517483376, ClinGen allele CA2739267651.

ClinVar aggregate classification (germline): Pathogenic (1 of 4 stars; one submission).

Conditions:
HYPERHOMOCYSTEINEMIA, THROMBOTIC, CBS-RELATED. Identifiers: MedGen C3150344, OMIM 236200.

Submission:

Labcorp Genetics (formerly Invitae), Labcorp
Classification: Pathogenic for HYPERHOMOCYSTEINEMIA, THROMBOTIC, CBS-RELATED. Last evaluated: 2022-10-27. Review status: criteria provided, single submitter. Criteria: Invitae Variant Classification Sherloc (09022015). Collection method: clinical testing. Allele origin: germline.
Comment: This variant has not been reported in the literature in individuals affected with CBS-related conditions. For these reasons, this variant has been classified as Pathogenic. This variant is not present in population databases (gnomAD no frequency). This sequence change creates a premature translational stop signal (p.Glu40Serfs*42) in the CBS gene. It is expected to result in an absent or disrupted protein product. Loss-of-function variants in CBS are known to be pathogenic (PMID: 10338090, 12124992).

Literature cited by the submitters: PubMed 10338090; PubMed 12124992.